The following is an entry in ClinVar:

NM_007055.4(POLR3A):c.*883T>A

Gene: POLR3A (RNA polymerase III subunit A; minus strand). Cytogenetic location: 10q22.3.
Variant type: single nucleotide variant.
Coding change: c.*883T>A on transcript NM_007055.4 (MANE Select); 883 bases downstream of the stop codon, T replaced by A.
Molecular consequence: 3 prime UTR variant.
Genome position (GRCh38, 1-based): chr10:77,976,595, A>T on the plus strand (T>A on the coding strand, the complement: POLR3A is on the minus strand). VCF-style: chr10-77976595-A-T. GRCh37 (hg19) VCF-style: chr10-79736353-A-T.
Identifiers: ClinVar variation 301019 (VCV000301019.5), dbSNP rs113075575, ClinGen allele CA10636062.
Genomic context (GRCh38, chr10:77,976,595, plus strand): 5'-TTCTAACACAGATCCAAGAACCAATGGCTACCCCGGGTACCTTAACAGCATCAACTCAGA[A>T]CTTAAAAAATCAACTAGAGATCATCCAAGGAACGTAAGTATAATTCTACAAAAAACCATC-3'

ClinVar aggregate classification (germline): Likely benign (1 of 4 stars; one submission).

Conditions:
Leukodystrophy, hypomyelinating, 7, with or without oligodontia and/or hypogonadotropic hypogonadism (HLD7). Also called: LEUKOENCEPHALOPATHY, HYPOMYELINATING, WITH ATAXIA AND DELAYED DENTITION; ATAXIA, DELAYED DENTITION, AND HYPOMYELINATION; LEUKODYSTROPHY, HYPOMYELINATING, 7, WITH OLIGODONTIA; LEUKODYSTROPHY, HYPOMYELINATING, 7, WITH OLIGODONTIA AND HYPOGONADOTROPIC HYPOGONADISM; LEUKODYSTROPHY, HYPOMYELINATING, 7, WITHOUT OLIGODONTIA OR HYPOGONADOTROPIC HYPOGONADISM; Ataxia, Delayed Dentition and Hypomyelination (ADDH). Identifiers: Orphanet 137639, Orphanet 447893, Orphanet 447896, Orphanet 77295, Orphanet 88637, MedGen CN034185, MONDO:0011897, OMIM 607694.

Allele frequency attached by ClinVar (database versions not stated): 1000 Genomes Project 30x 0.00422; 1000 Genomes Project 0.00439; gnomAD 0.00445 and 0.00486; TOPMed 0.00510.

Submission:

Illumina Laboratory Services, Illumina
Classification: Likely benign for Leukodystrophy, hypomyelinating, 7, with or without oligodontia and/or hypogonadotropic hypogonadism. Last evaluated: 2018-01-12. Review status: criteria provided, single submitter. Criteria: ICSL Variant Classification Criteria 13 December 2019. Collection method: clinical testing. Allele origin: germline.
Comment: This variant was observed in the ICSL laboratory as part of a predisposition screen in an ostensibly healthy population. It had not been previously curated by ICSL or reported in the Human Gene Mutation Database (HGMD: prior to June 1st, 2018), and was therefore a candidate for classification through an automated scoring system. Utilizing variant allele frequency, disease prevalence and penetrance estimates, and inheritance mode, an automated score was calculated to assess if this variant is too frequent to cause the disease. Based on the score and internal cut-off values, a variant classified as likely benign is not then subjected to further curation. The score for this variant resulted in a classification of likely benign for this disease.